The following is an entry in ClinVar:

ClinVar aggregate classification (germline): Uncertain significance. Review status: criteria provided, multiple submitters, no conflicts (2 of 4 stars). 2 submissions from 2 submitters: Uncertain significance (2). Last evaluated 2026-01-05.

Conditions:
Inborn genetic diseases. Identifiers: MedGen C0950123, MeSH D030342.

gnomAD v4.1: 1 of 1,613,780 alleles (0.000062%); no homozygotes.

Submissions (2):

Ambry Genetics
Classification: Uncertain significance for Inborn genetic diseases. Last evaluated: 2026-01-05. Review status: criteria provided, single submitter. Criteria: Ambry Variant Classification Scheme 2023. Collection method: clinical testing. Allele origin: germline.

Labcorp Genetics (formerly Invitae), Labcorp
Classification: Uncertain significance. Last evaluated: 2023-06-10. Review status: criteria provided, single submitter. Criteria: Invitae Variant Classification Sherloc (09022015). Collection method: clinical testing. Allele origin: germline.
Comment: In summary, the available evidence is currently insufficient to determine the role of this variant in disease. Therefore, it has been classified as a Variant of Uncertain Significance. Advanced modeling of protein sequence and biophysical properties (such as structural, functional, and spatial information, amino acid conservation, physicochemical variation, residue mobility, and thermodynamic stability) performed at Invitae indicates that this missense variant is expected to disrupt NCSTN protein function. This variant has not been reported in the literature in individuals affected with NCSTN-related conditions. This variant is present in population databases (no rsID available, gnomAD 0.01%). This sequence change replaces tyrosine, which is neutral and polar, with cysteine, which is neutral and slightly polar, at codon 688 of the NCSTN protein (p.Tyr688Cys).

NM_015331.3(NCSTN):c.2063A>G (p.Tyr688Cys)

Gene: NCSTN (nicastrin; plus strand). Cytogenetic location: 1q23.2.
Variant type: single nucleotide variant.
Coding change: c.2063A>G on transcript NM_015331.3 (MANE Select); coding-DNA position 2063, A replaced by G.
Protein change: p.Tyr688Cys; replaces tyrosine 688 with cysteine.
Molecular consequence: missense variant.
Genome position (GRCh38, 1-based): chr1:160,358,204, A>G. VCF-style: chr1-160358204-A-G. GRCh37 (hg19) VCF-style: chr1-160327994-A-G.
Other names: c.2003A>G, p.Tyr668Cys (NM_001290184.2); c.1649A>G, p.Tyr550Cys (NM_001290186.2); c.1850A>G, p.Tyr617Cys (NM_001349729.2); c.2063A>G (NM_015331.2); short protein forms Y617C, Y668C, Y550C, Y688C.
Identifiers: ClinVar variation 2836928 (VCV002836928.4), dbSNP rs1212972823, ClinGen allele CA343283735.